The following is an entry in ClinVar:

NM_000501.4(ELN):c.644G>A (p.Gly215Asp)

Gene: ELN (elastin; plus strand). Cytogenetic location: 7q11.23.
Variant type: single nucleotide variant.
Coding change: c.644G>A on transcript NM_000501.4 (MANE Select); coding-DNA position 644, G replaced by A.
Protein change: p.Gly215Asp; replaces glycine 215 with aspartic acid.
Molecular consequence: missense variant. On other transcripts: intron variant (2).
Genome position (GRCh38, 1-based): chr7:74,047,675, G>A. VCF-style: chr7-74047675-G-A. GRCh37 (hg19) VCF-style: chr7-73462005-G-A.
Other names: c.614G>A, p.Gly205Asp (NM_001081752.3, NM_001278917.2); c.659G>A, p.Gly220Asp (NM_001081753.3, NM_001081754.3); c.644G>A, p.Gly215Asp (NM_001081755.3, NM_001278912.2, NM_001278915.2 and 1 more transcripts); c.629G>A, p.Gly210Asp (NM_001278914.2); c.512G>A, p.Gly171Asp (NM_001278918.2); c.644-467G>A (NM_001278916.2); c.578-467G>A (NM_001278913.2); short protein forms G205D, G210D, G215D, G220D, G171D.
Identifiers: ClinVar variation 2811351 (VCV002811351.3), dbSNP rs369674245, ClinGen allele CA160128985.

ClinVar aggregate classification (germline): Uncertain significance (1 of 4 stars; one submission).

Conditions:
Supravalvar aortic stenosis (SVAS). Also called: Supravalvar aortic stenosis, Eisenberg type. Identifiers: Orphanet 3193, MedGen C0003499, MONDO:0008504, OMIM 185500, HP:0004381.

Allele frequency attached by ClinVar (database versions not stated): ESP Exome Variant Server 0.00008.

Submission:

Labcorp Genetics (formerly Invitae), Labcorp
Classification: Uncertain significance for Supravalvar aortic stenosis. Last evaluated: 2022-12-16. Review status: criteria provided, single submitter. Criteria: Invitae Variant Classification Sherloc (09022015). Collection method: clinical testing. Allele origin: germline.
Comment: This variant has not been reported in the literature in individuals affected with ELN-related conditions. In summary, the available evidence is currently insufficient to determine the role of this variant in disease. Therefore, it has been classified as a Variant of Uncertain Significance. Algorithms developed to predict the effect of missense changes on protein structure and function are either unavailable or do not agree on the potential impact of this missense change (SIFT: "Deleterious"; PolyPhen-2: "Not Available"; Align-GVGD: "Class C0"). This variant is not present in population databases (gnomAD no frequency). This sequence change replaces glycine, which is neutral and non-polar, with aspartic acid, which is acidic and polar, at codon 215 of the ELN protein (p.Gly215Asp).